The following is an entry in ClinVar:

NM_032119.4(ADGRV1):c.2261T>C (p.Val754Ala)

Gene: ADGRV1 (adhesion G protein-coupled receptor V1; plus strand). Cytogenetic location: 5q14.3.
Variant type: single nucleotide variant.
Coding change: c.2261T>C on transcript NM_032119.4 (MANE Select); coding-DNA position 2261, T replaced by C.
Protein change: p.Val754Ala; replaces valine 754 with alanine.
Molecular consequence: missense variant. On other transcripts: non-coding transcript variant (1).
Genome position (GRCh38, 1-based): chr5:90,642,656, T>C. VCF-style: chr5-90642656-T-C. GRCh37 (hg19) VCF-style: chr5-89938473-T-C.
Other names: short protein forms V754A.
Identifiers: ClinVar variation 178356 (VCV000178356.14), dbSNP rs374609813, ClinGen allele CA182169.

ClinVar aggregate classification (germline): Conflicting classifications of pathogenicity. Review status: criteria provided, conflicting classifications (1 of 4 stars). 4 submissions from 4 submitters: Uncertain significance (2); Benign (1); Likely benign (1). Last evaluated 2026-01-26.

Conditions:
ADGRV1-related disorder. Also called: ADGRV1-related condition; ADGRV1-related disorders.
Usher syndrome type 2. Also called: Usher Syndrome Type II. Identifiers: Orphanet 231178, MedGen C0339534, MONDO:0016484.

Allele frequency attached by ClinVar (database versions not stated): gnomAD 0.00002 and 0.00007; TOPMed 0.00003; gnomAD exomes 0.00009 and 0.00014; ESP Exome Variant Server 0.00017; ExAC 0.00021.
gnomAD v4.1: 140 of 1,613,274 alleles (0.0087%); highest among the groups gnomAD compares: South Asian, 0.082%; 4 homozygotes.

Submissions (4):

Labcorp Genetics (formerly Invitae), Labcorp
Classification: Benign. Last evaluated: 2026-01-26. Review status: criteria provided, single submitter. Criteria: Invitae Variant Classification Sherloc (09022015). Collection method: clinical testing. Allele origin: germline.

PreventionGenetics, part of Exact Sciences
Classification: Likely benign for ADGRV1-related condition. Last evaluated: 2025-03-27. Review status: criteria provided, single submitter. Criteria: ACMG Guidelines, 2015. Collection method: clinical testing. Allele origin: germline.
Comment: This variant is classified as likely benign based on ACMG/AMP sequence variant interpretation guidelines (Richards et al. 2015 PMID: 25741868, with internal and published modifications).

Department of Pathology and Laboratory Medicine, Sinai Health System
Classification: Uncertain significance for Usher syndrome type 2. Last evaluated: 2021-07-30. Review status: criteria provided, single submitter. Criteria: ACMG Guidelines, 2015. Collection method: research. Allele origin: germline.

Laboratory for Molecular Medicine, Mass General Brigham Personalized Medicine
Classification: Uncertain significance. Last evaluated: 2014-05-29. Review status: criteria provided, single submitter. Criteria: LMM Criteria. Collection method: clinical testing. Allele origin: germline. Observed: 1 variant allele.
Comment: The Val754Ala variant in GPR98 has not been previously reported in individuals w ith hearing loss, but has been identified in 0.03% (2/8154) of European American chromosomes by the NHLBI Exome Sequencing Project (/EVS/; dbSNP rs374609813). Although this variant has been seen in the general po pulation, its frequency is not high enough to rule out a pathogenic role. Compu tational prediction tools and conservation analyses do not provide strong suppor t for or against an impact to the protein. In summary, the clinical significance of the Val754Ala variant is uncertain.